The following is an entry in ClinVar:

ClinVar aggregate classification (germline): Uncertain significance (1 of 4 stars; one submission).

Conditions:
Myopathy, tubular aggregate, 2 (TAM2). Identifiers: MedGen C4014557, MONDO:0014383, OMIM 615883.
Combined immunodeficiency due to ORAI1 deficiency. Also called: IMMUNODEFICIENCY 9. Identifiers: Orphanet 169090, Orphanet 317428, MedGen C2748568, MONDO:0013007, OMIM 612782.

Allele frequency attached by ClinVar (database versions not stated): gnomAD exomes below 0.00001.

Submission:

Labcorp Genetics (formerly Invitae), Labcorp
Classification: Uncertain significance for Myopathy, tubular aggregate, 2; Combined immunodeficiency due to ORAI1 deficiency. Last evaluated: 2025-11-19. Review status: criteria provided, single submitter. Criteria: Invitae Variant Classification Sherloc (09022015). Collection method: clinical testing. Allele origin: germline.
Comment: This sequence change replaces aspartic acid, which is acidic and polar, with histidine, which is basic and polar, at codon 287 of the ORAI1 protein (p.Asp287His). This variant is present in population databases (no rsID available, gnomAD 0.0009%). This variant has not been reported in the literature in individuals affected with ORAI1-related conditions. ClinVar contains an entry for this variant (Variation ID: 1445814). Experimental studies and prediction algorithms are not available or were not evaluated, and the functional significance of this variant is currently unknown. In summary, the available evidence is currently insufficient to determine the role of this variant in disease. Therefore, it has been classified as a Variant of Uncertain Significance.

NC_000012.12:g.121641596G>C

Gene: ORAI1 (ORAI calcium release-activated calcium modulator 1; plus strand). Cytogenetic location: 12q24.31.
Variant type: single nucleotide variant.
Genome position: GRCh38 VCF-style: chr12-121641596-G-C. GRCh37 (hg19) VCF-style: chr12-122079502-G-C.
Other names: c.859G>C, p.Asp287His (NM_032790.4); short protein forms D287H.
Identifiers: ClinVar variation 1445814 (VCV001445814.6), dbSNP rs1555324170, ClinGen allele CA386984776.